The following is an entry in ClinVar:

ClinVar aggregate classification (germline): Likely benign (1 of 4 stars; one submission).

gnomAD v4.1: 1 of 1,522,874 alleles (0.000066%); highest among the groups gnomAD compares: Non-Finnish European, 0.000088%; no homozygotes.

Submission:

CeGaT Center for Human Genetics Tuebingen
Classification: Likely benign. Last evaluated: 2026-03-01. Review status: criteria provided, single submitter. Criteria: CeGaT Center For Human Genetics Tuebingen Variant Classification Criteria Version 2. Collection method: clinical testing. Allele origin: germline. Affected: yes. Observed: 2 variant alleles.
Comment: ARID1B: BP4, BP7

NM_001374828.1(ARID1B):c.1032C>A (p.Pro344=)

Gene: ARID1B (AT-rich interaction domain 1B; plus strand). Cytogenetic location: 6q25.3.
Variant type: single nucleotide variant.
Coding change: c.1032C>A on transcript NM_001374828.1 (MANE Select); coding-DNA position 1032, C replaced by A.
Protein change: p.Pro344=; no amino-acid change (proline 344 retained).
Molecular consequence: synonymous variant.
Genome position (GRCh38, 1-based): chr6:156,778,712, C>A. VCF-style: chr6-156778712-C-A. GRCh37 (hg19) VCF-style: chr6-157099846-C-A.
Other names: c.1032C>A, p.Pro344= (NM_001371656.1, NM_001374820.1, NM_001438482.1 and 9 more transcripts).
Identifiers: ClinVar variation 4534068 (VCV004534068.6).